The following is an entry in ClinVar:

ClinVar aggregate classification (germline): Uncertain significance (1 of 4 stars; one submission).

Allele frequency attached by ClinVar (database versions not stated): ExAC 0.00002; TOPMed 0.00002; gnomAD exomes 0.00002.

Submission:

GeneDx
Classification: Uncertain significance. Last evaluated: 2019-09-11. Review status: criteria provided, single submitter. Criteria: GeneDx Variant Classification Process June 2021. Collection method: clinical testing. Allele origin: germline. Affected: yes.
Comment: Nonsense variant predicted to result in protein truncation or nonsense mediated decay in a gene for which loss-of-function is a known mechanism of disease; Has not been previously published as pathogenic or benign to our knowledge

NM_022458.4(LMBR1):c.748C>T (p.Arg250Ter)

Gene: LMBR1 (limb development membrane protein 1; minus strand). Cytogenetic location: 7q36.3.
Variant type: single nucleotide variant.
Coding change: c.748C>T on transcript NM_022458.4 (MANE Select); coding-DNA position 748, C replaced by T.
Protein change: p.Arg250Ter; replaces arginine 250 with a stop codon.
Molecular consequence: nonsense. On other transcripts: non-coding transcript variant (2).
Genome position (GRCh38, 1-based): chr7:156,756,402, G>A on the plus strand (C>T on the coding strand, the complement: LMBR1 is on the minus strand). VCF-style: chr7-156756402-G-A. GRCh37 (hg19) VCF-style: chr7-156549096-G-A.
Other names: c.748C>T, p.Arg250Ter (NM_001350953.2, NM_001363409.2, NM_001363410.2); c.469C>T, p.Arg157Ter (NM_001350954.2); c.292C>T, p.Arg98Ter (NM_001350955.2, NM_001350956.2, NM_001350958.2 and 1 more transcripts); c.379C>T, p.Arg127Ter (NM_001350957.2, NM_001363411.2); c.685C>T, p.Arg229Ter (NM_001363412.2); short protein forms R127*, R157*, R229*, R250*, R98*.
Identifiers: ClinVar variation 1312157 (VCV001312157.2), dbSNP rs752896240, ClinGen allele CA4588008.